The following is an entry in ClinVar:

ClinVar aggregate classification (germline): Likely benign (1 of 4 stars; one submission).

gnomAD v4.1: 9,041 of 1,476,370 alleles (0.61%); highest among the groups gnomAD compares: Admixed American, 1%; 39 homozygotes.

Submission:

CeGaT Center for Human Genetics Tuebingen
Classification: Likely benign. Last evaluated: 2024-11-01. Review status: criteria provided, single submitter. Criteria: CeGaT Center For Human Genetics Tuebingen Variant Classification Criteria Version 2. Collection method: clinical testing. Allele origin: germline. Affected: yes. Observed: 1 variant allele.
Comment: NRG2: BS2

NM_004883.3(NRG2):c.2359G>A (p.Ala787Thr)

Genes: NRG2 (neuregulin 2; minus strand), LOC129994810 (ATAC-STARR-seq lymphoblastoid silent region 16433; plus strand). Cytogenetic location: 5q31.2.
Variant type: single nucleotide variant.
Coding change: c.2359G>A on transcript NM_004883.3 (MANE Select); coding-DNA position 2359, G replaced by A.
Protein change: p.Ala787Thr; replaces alanine 787 with threonine.
Molecular consequence: missense variant.
Genome position (GRCh38, 1-based): chr5:139,848,111, C>T on the plus strand (G>A on the coding strand, the complement: NRG2 is on the minus strand). VCF-style: chr5-139848111-C-T. GRCh37 (hg19) VCF-style: chr5-139227696-C-T.
Other names: c.2161G>A, p.Ala721Thr (NM_001184935.2); c.1750G>A, p.Ala584Thr (NM_001410780.1); c.2341G>A, p.Ala781Thr (NM_013981.4); c.2383G>A, p.Ala795Thr (NM_013982.3); c.2365G>A, p.Ala789Thr (NM_013983.3); short protein forms A584T, A721T, A781T, A787T, A789T, A795T.
Identifiers: ClinVar variation 3388046 (VCV003388046.14).
Genomic context (GRCh38, chr5:139,848,111, plus strand): 5'-AGCGCAGCGCGTCGTGCGCCCCACGCAGGCCCAGGAAAGGTGTGCTCTCGGCCGCCAGCG[C>T]CCCGTCCGCGTCGTCCGCGTCGTCGTCCGACGCCGAGGCTGAGCCGCCGCCCGAGCCGCT-3'
Protein context (NP_004874.1, residues 777-797): SDDDADDADG[Ala787Thr]LAAESTPFLG